The following is an entry in ClinVar:

ClinVar aggregate classification (germline): Uncertain significance (1 of 4 stars; one submission).

Conditions:
Hereditary cancer-predisposing syndrome. Also called: Hereditary neoplastic syndrome; Neoplastic Syndromes, Hereditary; Tumor predisposition; Hereditary Cancer Syndrome. Identifiers: Orphanet 140162, MedGen C0027672, MeSH D009386, MONDO:0015356.

Allele frequency attached by ClinVar (database versions not stated): gnomAD 0.00001; TOPMed 0.00001.
gnomAD v4.1: 2 of 1,613,664 alleles (0.00012%); highest among the groups gnomAD compares: African/African-American, 0.0027%; no homozygotes.

Submission:

Ambry Genetics
Classification: Uncertain significance for Hereditary cancer-predisposing syndrome. Last evaluated: 2024-01-30. Review status: criteria provided, single submitter. Criteria: Ambry Variant Classification Scheme 2023. Collection method: clinical testing. Allele origin: germline.
Comment: The p.E500D variant (also known as c.1500G>C), located in coding exon 12 of the MRE11A gene, results from a G to C substitution at nucleotide position 1500. The amino acid change results in glutamic acid to aspartic acid at codon 500, an amino acid with highly similar properties. This amino acid position is highly conserved in available vertebrate species. In addition, the in silico prediction for this alteration is inconclusive.Based on the available evidence, the clinical significance of this alteration remains unclear.

NM_005591.4(MRE11):c.1500G>C (p.Glu500Asp)

Gene: MRE11 (MRE11 double strand break repair nuclease; minus strand). Cytogenetic location: 11q21.
Variant type: single nucleotide variant.
Coding change: c.1500G>C on transcript NM_005591.4 (MANE Select); coding-DNA position 1500, G replaced by C.
Protein change: p.Glu500Asp; replaces glutamic acid 500 with aspartic acid.
Molecular consequence: missense variant.
Genome position (GRCh38, 1-based): chr11:94,459,408, C>G on the plus strand (G>C on the coding strand, the complement: MRE11 is on the minus strand). VCF-style: chr11-94459408-C-G. GRCh37 (hg19) VCF-style: chr11-94192574-C-G.
Other names: c.1500G>C, p.Glu500Asp (NM_001330347.2, NM_005590.4); short protein forms E500D.
Identifiers: ClinVar variation 185281 (VCV000185281.5), dbSNP rs786202052, ClinGen allele CA191519.